The following is an entry in ClinVar:

ClinVar aggregate classification (germline): Uncertain significance (1 of 4 stars; one submission).

Conditions:
Nephronophthisis 15 (NPHP15). Identifiers: Orphanet 3156, MedGen C3541853, MONDO:0013917, OMIM 614845.

Submission:

Labcorp Genetics (formerly Invitae), Labcorp
Classification: Uncertain significance for Nephronophthisis 15. Last evaluated: 2022-02-02. Review status: criteria provided, single submitter. Criteria: Invitae Variant Classification Sherloc (09022015). Collection method: clinical testing. Allele origin: germline.
Comment: This variant is not present in population databases (gnomAD no frequency). In summary, the available evidence is currently insufficient to determine the role of this variant in disease. Therefore, it has been classified as a Variant of Uncertain Significance. Algorithms developed to predict the effect of missense changes on protein structure and function are either unavailable or do not agree on the potential impact of this missense change (SIFT: "Deleterious"; PolyPhen-2: "Benign"; Align-GVGD: "Class C0"). This variant has not been reported in the literature in individuals affected with CEP164-related conditions. This sequence change replaces glutamic acid, which is acidic and polar, with lysine, which is basic and polar, at codon 730 of the CEP164 protein (p.Glu730Lys).

NM_014956.5(CEP164):c.2188G>A (p.Glu730Lys)

Gene: CEP164 (centrosomal protein 164; plus strand). Cytogenetic location: 11q23.3.
Variant type: single nucleotide variant.
Coding change: c.2188G>A on transcript NM_014956.5 (MANE Select); coding-DNA position 2188, G replaced by A.
Protein change: p.Glu730Lys; replaces glutamic acid 730 with lysine.
Molecular consequence: missense variant.
Genome position (GRCh38, 1-based): chr11:117,391,120, G>A. VCF-style: chr11-117391120-G-A. GRCh37 (hg19) VCF-style: chr11-117261836-G-A.
Other names: c.2197G>A, p.Glu733Lys (NM_001271933.2); short protein forms E733K, E730K.
Identifiers: ClinVar variation 1441451 (VCV001441451.8), dbSNP rs2136324049, ClinGen allele CA382723321.